The following is an entry in ClinVar:

NM_000051.4(ATM):c.3768dup (p.Pro1257fs)

Gene: ATM (ATM serine/threonine kinase; plus strand). Cytogenetic location: 11q22.3.
Variant type: Duplication.
Coding change: c.3768dup on transcript NM_000051.4 (MANE Select); coding-DNA position 3768, one base duplicated (T; older notation c.3768dupT).
Protein change: p.Pro1257fs; shifts the reading frame from proline 1257.
Molecular consequence: frameshift variant.
Genome position (GRCh38, 1-based): chr11:108,284,248, T duplicated; the last of 2 consecutive T bases (chr11:108,284,247-108,284,248); duplicating either gives the same sequence. VCF-style (leftmost placement, unchanged base first): chr11-108284246-A-AT. GRCh37 (hg19) VCF-style: chr11-108154973-A-AT.
Other names: c.3768dup, p.Pro1257fs (NM_001351834.2); short protein forms P1257fs.
Identifiers: ClinVar variation 4720448 (VCV004720448.1).

ClinVar aggregate classification (germline): Pathogenic (1 of 4 stars; one submission).

Conditions:
Ataxia-telangiectasia syndrome (AT). Also called: ATAXIA-TELANGIECTASIA, COMPLEMENTATION GROUP A; ATAXIA-TELANGIECTASIA, FRESNO VARIANT; Ataxia-telangiectasia; LOUIS-BAR SYNDROME; Cerebello-oculocutaneous telangiectasia; Immunodeficiency with ataxia telangiectasia. Identifiers: Orphanet 100, MedGen C0004135, MONDO:0008840, OMIM 208900.

Submission:

Labcorp Genetics (formerly Invitae), Labcorp
Classification: Pathogenic for Ataxia-telangiectasia syndrome. Last evaluated: 2025-08-20. Review status: criteria provided, single submitter. Criteria: Invitae Variant Classification Sherloc (09022015). Collection method: clinical testing. Allele origin: germline.
Comment: This sequence change creates a premature translational stop signal (p.Pro1257Serfs*6) in the ATM gene. It is expected to result in an absent or disrupted protein product. Loss-of-function variants in ATM are known to be pathogenic (PMID: 23807571, 25614872). This variant is not present in population databases (gnomAD no frequency). This variant has not been reported in the literature in individuals affected with ATM-related conditions. For these reasons, this variant has been classified as Pathogenic.

Literature cited by the submitters: PubMed 23807571; PubMed 25614872.